The following is an entry in ClinVar:

NM_000548.5(TSC2):c.2270T>A (p.Phe757Tyr)

Gene: TSC2 (TSC complex subunit 2; plus strand). Cytogenetic location: 16p13.3.
Variant type: single nucleotide variant.
Coding change: c.2270T>A on transcript NM_000548.5 (MANE Select); coding-DNA position 2270, T replaced by A.
Protein change: p.Phe757Tyr; replaces phenylalanine 757 with tyrosine.
Molecular consequence: missense variant. On other transcripts: non-coding transcript variant (5).
Genome position (GRCh38, 1-based): chr16:2,072,898, T>A. VCF-style: chr16-2072898-T-A. GRCh37 (hg19) VCF-style: chr16-2122899-T-A.
Other names: c.2270T>A, p.Phe757Tyr (NM_001077183.3, NM_001114382.3, NM_001363528.2 and 6 more transcripts); c.2159T>A, p.Phe720Tyr (NM_001318827.2, NM_001406670.1, NM_001406678.1); c.2123T>A, p.Phe708Tyr (NM_001318829.2, NM_001406675.1, NM_001406676.1 and 1 more transcripts); c.1670T>A, p.Phe557Tyr (NM_001318831.2, NM_001406680.1, NM_001406682.1 and 6 more transcripts); c.2303T>A, p.Phe768Tyr (NM_001318832.2); c.2360T>A, p.Phe787Tyr (NM_001406667.1, NM_001406668.1); c.2258T>A, p.Phe753Tyr (NM_001406671.1, NM_001406673.1); c.2213T>A, p.Phe738Tyr (NM_001406677.1); and 3 more; short protein forms F223Y, F309Y, F753Y, F757Y, F708Y, F720Y, F557Y, F603Y.
Identifiers: ClinVar variation 3811318 (VCV003811318.1).

ClinVar aggregate classification (germline): Uncertain significance (1 of 4 stars; one submission).

Conditions:
Hereditary cancer-predisposing syndrome. Also called: Neoplastic Syndromes, Hereditary; Hereditary Cancer Syndrome; Tumor predisposition; Hereditary neoplastic syndrome. Identifiers: Orphanet 140162, MedGen C0027672, MeSH D009386, MONDO:0015356.

Submission:

Ambry Genetics
Classification: Uncertain significance for Hereditary cancer-predisposing syndrome. Last evaluated: 2024-12-20. Review status: criteria provided, single submitter. Criteria: Ambry Variant Classification Scheme 2023. Collection method: clinical testing. Allele origin: germline.
Comment: The p.F757Y variant (also known as c.2270T>A), located in coding exon 20 of the TSC2 gene, results from a T to A substitution at nucleotide position 2270. The phenylalanine at codon 757 is replaced by tyrosine, an amino acid with highly similar properties. This amino acid position is conserved. In addition, the in silico prediction for this alteration is inconclusive. Based on the available evidence, the clinical significance of this variant remains unclear.